The following is an entry in ClinVar:

NM_001378454.1(ALMS1):c.12115-100C>T

Genes: ALMS1 (ALMS1 centrosome and basal body associated protein; plus strand), LOC126806252 (BRD4-independent group 4 enhancer GRCh37_chr2:73828496-73829695; plus strand). Cytogenetic location: 2p13.1.
Variant type: single nucleotide variant.
Coding change: c.12115-100C>T on transcript NM_001378454.1 (MANE Select); 100 bases into the intron before coding-DNA position 12115, C replaced by T.
Molecular consequence: intron variant.
Genome position (GRCh38, 1-based): chr2:73,602,085, C>T. VCF-style: chr2-73602085-C-T. GRCh37 (hg19) VCF-style: chr2-73829212-C-T.
Other names: c.12115-100C>T (NM_015120.4); c.12118-100C>T (NM_015120.4).
Identifiers: ClinVar variation 679830 (VCV000679830.1), dbSNP rs115841170, ClinGen allele CA50337734.

ClinVar aggregate classification (germline): Likely benign (1 of 4 stars; one submission).

Allele frequency attached by ClinVar (database versions not stated): gnomAD exomes 0.00073; gnomAD 0.00799 and 0.00848; TOPMed 0.00876; 1000 Genomes Project 30x 0.01234; 1000 Genomes Project 0.01238.
gnomAD v4.1: 2,053 of 1,251,034 alleles (0.16%); highest among the groups gnomAD compares: African/African-American, 2.8%; 33 homozygotes.

Submission:

GeneDx
Classification: Likely benign. Last evaluated: 2018-06-18. Review status: criteria provided, single submitter. Criteria: GeneDx Variant Classification (06012015). Collection method: clinical testing. Allele origin: germline. Affected: yes.
Comment: This variant is considered likely benign or benign based on one or more of the following criteria: it is a conservative change, it occurs at a poorly conserved position in the protein, it is predicted to be benign by multiple in silico algorithms, and/or has population frequency not consistent with disease.